The following is an entry in ClinVar:

NM_006015.6(ARID1A):c.5609C>T (p.Pro1870Leu)

Gene: ARID1A (AT-rich interaction domain 1A; plus strand). Cytogenetic location: 1p36.11.
Variant type: single nucleotide variant.
Coding change: c.5609C>T on transcript NM_006015.6 (MANE Select); coding-DNA position 5609, C replaced by T.
Protein change: p.Pro1870Leu; replaces proline 1870 with leucine.
Molecular consequence: missense variant.
Genome position (GRCh38, 1-based): chr1:26,779,507, C>T. VCF-style: chr1-26779507-C-T. GRCh37 (hg19) VCF-style: chr1-27105998-C-T.
Other names: c.4958C>T, p.Pro1653Leu (NM_139135.4); short protein forms P1870L, P1653L.
Identifiers: ClinVar variation 2012990 (VCV002012990.4), dbSNP rs2124140889, ClinGen allele CA339186052.

ClinVar aggregate classification (germline): Uncertain significance (1 of 4 stars; one submission).

Submission:

Labcorp Genetics (formerly Invitae), Labcorp
Classification: Uncertain significance. Last evaluated: 2024-05-15. Review status: criteria provided, single submitter. Criteria: Invitae Variant Classification Sherloc (09022015). Collection method: clinical testing. Allele origin: germline.
Comment: This sequence change replaces proline, which is neutral and non-polar, with leucine, which is neutral and non-polar, at codon 1870 of the ARID1A protein (p.Pro1870Leu). This variant is not present in population databases (gnomAD no frequency). This variant has not been reported in the literature in individuals affected with ARID1A-related conditions. ClinVar contains an entry for this variant (Variation ID: 2012990). Advanced modeling of protein sequence and biophysical properties (such as structural, functional, and spatial information, amino acid conservation, physicochemical variation, residue mobility, and thermodynamic stability) performed at Invitae indicates that this missense variant is not expected to disrupt ARID1A protein function with a negative predictive value of 80%. In summary, the available evidence is currently insufficient to determine the role of this variant in disease. Therefore, it has been classified as a Variant of Uncertain Significance.